The following is an entry in ClinVar:

NM_002029.4(FPR1):c.919G>A (p.Asp307Asn)

Gene: FPR1 (formyl peptide receptor 1; minus strand). Cytogenetic location: 19q13.41.
Variant type: single nucleotide variant.
Coding change: c.919G>A on transcript NM_002029.4 (MANE Select); coding-DNA position 919, G replaced by A.
Protein change: p.Asp307Asn; replaces aspartic acid 307 with asparagine.
Molecular consequence: missense variant.
Genome position (GRCh38, 1-based): chr19:51,746,076, C>T on the plus strand (G>A on the coding strand, the complement: FPR1 is on the minus strand). VCF-style: chr19-51746076-C-T. GRCh37 (hg19) VCF-style: chr19-52249329-C-T.
Other names: c.919G>A, p.Asp307Asn (NM_001193306.2); short protein forms D307N.
Identifiers: ClinVar variation 960581 (VCV000960581.11), dbSNP rs2083741511, ClinGen allele CA407115067.

ClinVar aggregate classification (germline): Uncertain significance (1 of 4 stars; one submission).

Conditions:
Gingival disorder. Also called: Gingival disease. Identifiers: MedGen C0017563, MONDO:0002021.

gnomAD v4.1: 1 of 1,614,164 alleles (0.000062%); highest among the groups gnomAD compares: Admixed American, 0.0017%; no homozygotes.

Submission:

Labcorp Genetics (formerly Invitae), Labcorp
Classification: Uncertain significance for Gingival disorder. Last evaluated: 2019-08-14. Review status: criteria provided, single submitter. Criteria: Invitae Variant Classification Sherloc (09022015). Collection method: clinical testing. Allele origin: germline.
Comment: This variant is not present in population databases (ExAC no frequency). In summary, the available evidence is currently insufficient to determine the role of this variant in disease. Therefore, it has been classified as a Variant of Uncertain Significance. Algorithms developed to predict the effect of missense changes on protein structure and function are either unavailable or do not agree on the potential impact of this missense change (SIFT: "Deleterious"; PolyPhen-2: "Possibly Damaging"; Align-GVGD: "Class C0"). This variant has not been reported in the literature in individuals with FPR1-related conditions. This sequence change replaces aspartic acid with asparagine at codon 307 of the FPR1 protein (p.Asp307Asn). The aspartic acid residue is highly conserved and there is a small physicochemical difference between aspartic acid and asparagine.